The following is an entry in ClinVar:

ClinVar aggregate classification (germline): Uncertain significance. Review status: criteria provided, multiple submitters, no conflicts (2 of 4 stars). 2 submissions from 2 submitters: Uncertain significance (2). Last evaluated 2025-09-01.

Allele frequency attached by ClinVar (database versions not stated): TOPMed below 0.00001; gnomAD 0.00001; gnomAD exomes 0.00002; ExAC 0.00004.
gnomAD v4.1: 24 of 1,614,008 alleles (0.0015%); highest among the groups gnomAD compares: South Asian, 0.012%; no homozygotes.

Submissions (2):

Ambry Genetics
Classification: Uncertain significance. Last evaluated: 2025-09-01. Review status: criteria provided, single submitter. Criteria: Ambry Variant Classification Scheme 2023. Collection method: clinical testing. Allele origin: germline.

Labcorp Genetics (formerly Invitae), Labcorp
Classification: Uncertain significance. Last evaluated: 2022-07-10. Review status: criteria provided, single submitter. Criteria: Invitae Variant Classification Sherloc (09022015). Collection method: clinical testing. Allele origin: germline.
Comment: In summary, the available evidence is currently insufficient to determine the role of this variant in disease. Therefore, it has been classified as a Variant of Uncertain Significance. Algorithms developed to predict the effect of missense changes on protein structure and function output the following: SIFT: "Deleterious"; PolyPhen-2: "Benign"; Align-GVGD: "Class C0". The tryptophan amino acid residue is found in multiple mammalian species, which suggests that this missense change does not adversely affect protein function. This variant has not been reported in the literature in individuals affected with ADGRE2-related conditions. This variant is present in population databases (rs780140985, gnomAD 0.02%). This sequence change replaces arginine, which is basic and polar, with tryptophan, which is neutral and slightly polar, at codon 786 of the ADGRE2 protein (p.Arg786Trp).

NM_013447.4(ADGRE2):c.2356C>T (p.Arg786Trp)

Gene: ADGRE2 (adhesion G protein-coupled receptor E2; minus strand). Cytogenetic location: 19p13.12.
Variant type: single nucleotide variant.
Coding change: c.2356C>T on transcript NM_013447.4 (MANE Select); coding-DNA position 2356, C replaced by T.
Protein change: p.Arg786Trp; replaces arginine 786 with tryptophan.
Molecular consequence: missense variant.
Genome position (GRCh38, 1-based): chr19:14,743,527, G>A on the plus strand (C>T on the coding strand, the complement: ADGRE2 is on the minus strand). VCF-style: chr19-14743527-G-A. GRCh37 (hg19) VCF-style: chr19-14854339-G-A.
Other names: c.2356C>T (NM_013447.2); c.2182C>T, p.Arg728Trp (NM_001271052.1); c.2209C>T, p.Arg737Trp (NM_152916.2); c.2077C>T, p.Arg693Trp (NM_152917.2); short protein forms R728W, R737W, R693W, R786W.
Identifiers: ClinVar variation 2085648 (VCV002085648.5), dbSNP rs780140985, ClinGen allele CA9257396.
Genomic context (GRCh38, chr19:14,743,527, plus strand): 5'-GCATCTCAGACTCAGTTTTCAATTTCCTGATCCCTTTGGACCATTTCCCATATTGCTCCC[G>A]GACCTGCAGAGGCAAAGTGTGTACTGGGTCAGCTCACAGAGAGCAGTGAGGACAGGAAGA-3'
Protein context (NP_038475.2, residues 776-796): LVYCLLSQQV[Arg786Trp]EQYGKWSKGI